The following is an entry in ClinVar:

NM_004247.4(EFTUD2):c.2650G>A (p.Glu884Lys)

Gene: EFTUD2 (elongation factor Tu GTP binding domain containing 2; minus strand). Cytogenetic location: 17q21.31.
Variant type: single nucleotide variant.
Coding change: c.2650G>A on transcript NM_004247.4 (MANE Select); coding-DNA position 2650, G replaced by A.
Protein change: p.Glu884Lys; replaces glutamic acid 884 with lysine.
Molecular consequence: missense variant.
Genome position (GRCh38, 1-based): chr17:44,852,474, C>T on the plus strand (G>A on the coding strand, the complement: EFTUD2 is on the minus strand). VCF-style: chr17-44852474-C-T. GRCh37 (hg19) VCF-style: chr17-42929842-C-T.
Other names: c.2545G>A, p.Glu849Lys (NM_001142605.2); c.2650G>A, p.Glu884Lys (NM_001258353.2); c.2620G>A, p.Glu874Lys (NM_001258354.2); short protein forms E874K, E884K, E849K.
Identifiers: ClinVar variation 2755204 (VCV002755204.3), dbSNP rs2508718334, ClinGen allele CA399838748.

ClinVar aggregate classification (germline): Uncertain significance (1 of 4 stars; one submission).

Submission:

Labcorp Genetics (formerly Invitae), Labcorp
Classification: Uncertain significance. Last evaluated: 2023-10-11. Review status: criteria provided, single submitter. Criteria: Invitae Variant Classification Sherloc (09022015). Collection method: clinical testing. Allele origin: germline.
Comment: This sequence change replaces glutamic acid, which is acidic and polar, with lysine, which is basic and polar, at codon 884 of the EFTUD2 protein (p.Glu884Lys). This variant is not present in population databases (gnomAD no frequency). This variant has not been reported in the literature in individuals affected with EFTUD2-related conditions. Advanced modeling of protein sequence and biophysical properties (such as structural, functional, and spatial information, amino acid conservation, physicochemical variation, residue mobility, and thermodynamic stability) performed at Invitae indicates that this missense variant is expected to disrupt EFTUD2 protein function. In summary, the available evidence is currently insufficient to determine the role of this variant in disease. Therefore, it has been classified as a Variant of Uncertain Significance.